The following is an entry in ClinVar:

NM_005475.3(SH2B3):c.410A>C (p.His137Pro)

Gene: SH2B3 (SH2B adaptor protein 3; plus strand). Cytogenetic location: 12q24.12.
Variant type: single nucleotide variant.
Coding change: c.410A>C on transcript NM_005475.3 (MANE Select); coding-DNA position 410, A replaced by C.
Protein change: p.His137Pro; replaces histidine 137 with proline.
Molecular consequence: missense variant.
Genome position (GRCh38, 1-based): chr12:111,418,555, A>C. VCF-style: chr12-111418555-A-C. GRCh37 (hg19) VCF-style: chr12-111856359-A-C.
Other names: short protein forms H137P.
Identifiers: ClinVar variation 4826775 (VCV004826775.1).

ClinVar aggregate classification (germline): Uncertain significance (1 of 4 stars; one submission).

Conditions:
Inborn genetic diseases. Identifiers: MedGen C0950123, MeSH D030342.

Submission:

Ambry Genetics
Classification: Uncertain significance for Inborn genetic diseases. Last evaluated: 2026-03-04. Review status: criteria provided, single submitter. Criteria: Ambry Variant Classification Scheme 2023. Collection method: clinical testing. Allele origin: germline.
Comment: The p.H137P variant (also known as c.410A>C), located in coding exon 1 of the SH2B3 gene, results from an A to C substitution at nucleotide position 410. The histidine at codon 137 is replaced by proline, an amino acid with similar properties. This amino acid position is conserved. In addition, this alteration is predicted to be tolerated by in silico analysis. Based on the available evidence, the clinical significance of this variant remains unclear.